The following is an entry in ClinVar:

NM_004247.4(EFTUD2):c.1787A>G (p.Asn596Ser)

Gene: EFTUD2 (elongation factor Tu GTP binding domain containing 2; minus strand). Cytogenetic location: 17q21.31.
Variant type: single nucleotide variant.
Coding change: c.1787A>G on transcript NM_004247.4 (MANE Select); coding-DNA position 1787, A replaced by G.
Protein change: p.Asn596Ser; replaces asparagine 596 with serine.
Molecular consequence: missense variant.
Genome position (GRCh38, 1-based): chr17:44,859,978, T>C on the plus strand (A>G on the coding strand, the complement: EFTUD2 is on the minus strand). VCF-style: chr17-44859978-T-C. GRCh37 (hg19) VCF-style: chr17-42937346-T-C.
Other names: c.1682A>G, p.Asn561Ser (NM_001142605.2); c.1787A>G, p.Asn596Ser (NM_001258353.2); c.1757A>G, p.Asn586Ser (NM_001258354.2); short protein forms N586S, N596S, N561S.
Identifiers: ClinVar variation 2970046 (VCV002970046.3), dbSNP rs373685919, ClinGen allele CA8607682.

ClinVar aggregate classification (germline): Uncertain significance (1 of 4 stars; one submission).

Allele frequency attached by ClinVar (database versions not stated): gnomAD exomes 0.00001; TOPMed 0.00002; gnomAD 0.00003; ExAC 0.00004.

Submission:

Labcorp Genetics (formerly Invitae), Labcorp
Classification: Uncertain significance. Last evaluated: 2025-01-08. Review status: criteria provided, single submitter. Criteria: Invitae Variant Classification Sherloc (09022015). Collection method: clinical testing. Allele origin: germline.
Comment: This sequence change replaces asparagine, which is neutral and polar, with serine, which is neutral and polar, at codon 596 of the EFTUD2 protein (p.Asn596Ser). This variant is present in population databases (rs373685919, gnomAD 0.03%). This missense change has been observed in individual(s) with craniofacial microsomia (PMID: 37507637). ClinVar contains an entry for this variant (Variation ID: 2970046). Invitae Evidence Modeling of protein sequence and biophysical properties (such as structural, functional, and spatial information, amino acid conservation, physicochemical variation, residue mobility, and thermodynamic stability) indicates that this missense variant is not expected to disrupt EFTUD2 protein function with a negative predictive value of 80%. In summary, the available evidence is currently insufficient to determine the role of this variant in disease. Therefore, it has been classified as a Variant of Uncertain Significance.

Literature cited by the submitters: PubMed 37507637.